The following is an entry in ClinVar:

NM_003410.4(ZFX):c.1234+6G>A

Gene: ZFX (zinc finger protein X-linked; plus strand). Cytogenetic location: Xp22.11.
Variant type: single nucleotide variant.
Coding change: c.1234+6G>A on transcript NM_003410.4 (MANE Select); 6 bases into the intron after coding-DNA position 1234, G replaced by A.
Molecular consequence: intron variant. On other transcripts: missense variant (1).
Genome position (GRCh38, 1-based): chrX:24,209,046, G>A. VCF-style: chrX-24209046-G-A. GRCh37 (hg19) VCF-style: chrX-24227163-G-A.
Other names: c.1240G>A, p.Gly414Ser (NM_001178095.2); c.1351+6G>A (NM_001330327.2); c.1234+6G>A (NM_001178085.1, NM_001178084.2); c.547+6G>A (NM_001178086.2); short protein forms G414S.
Identifiers: ClinVar variation 4873738 (VCV004873738.2).
Genomic context (GRCh38, chrX:24,209,046, plus strand): 5'-GCTAAACAAAAACCAAAGAAAAGGAGAAGACCTGATTCCAGGCAGTACCAAACAGGTGAG[G>A]GCGCACGAGTTCCATGGCGCAGCGTGCTCTGCGAGCTCTCAGAGGAAACTCTAGTATGTA-3'

ClinVar aggregate classification (germline): Uncertain significance (1 of 4 stars; one submission).

gnomAD v4.1: 1 of 1,211,434 alleles (0.000083%); highest among the groups gnomAD compares: Middle Eastern, 0.023%; no homozygotes.

Submission:

CeGaT Center for Human Genetics Tuebingen
Classification: Uncertain significance. Last evaluated: 2026-06-01. Review status: criteria provided, single submitter. Criteria: CeGaT Center For Human Genetics Tuebingen Variant Classification Criteria Version 2. Collection method: clinical testing. Allele origin: germline. Affected: yes. Observed: 1 variant allele.
Comment: ZFX: PM2, BP4